The following is an entry in ClinVar:

NM_020771.4(HACE1):c.1390T>A (p.Ser464Thr)

Gene: HACE1 (HECT domain and ankyrin repeat containing E3 ubiquitin protein ligase 1; minus strand). Cytogenetic location: 6q16.3.
Variant type: single nucleotide variant.
Coding change: c.1390T>A on transcript NM_020771.4 (MANE Select); coding-DNA position 1390, T replaced by A.
Protein change: p.Ser464Thr; replaces serine 464 with threonine.
Molecular consequence: missense variant. On other transcripts: non-coding transcript variant (7).
Genome position (GRCh38, 1-based): chr6:104,785,004, A>T on the plus strand (T>A on the coding strand, the complement: HACE1 is on the minus strand). VCF-style: chr6-104785004-A-T. GRCh37 (hg19) VCF-style: chr6-105232879-A-T.
Other names: c.1258T>A, p.Ser420Thr (NM_001321080.2); c.1288T>A, p.Ser430Thr (NM_001321083.2); c.886T>A, p.Ser296Thr (NM_001321084.2, NM_001350557.2, NM_001350558.2); c.1156T>A, p.Ser386Thr (NM_001350554.2); c.1099T>A, p.Ser367Thr (NM_001350555.2); c.904T>A, p.Ser302Thr (NM_001350556.2); c.808T>A, p.Ser270Thr (NM_001350559.2); c.607T>A, p.Ser203Thr (NM_001350560.2); and 1 more; short protein forms S302T, S420T, S203T, S296T, S386T, S430T, S464T, S270T.
Identifiers: ClinVar variation 1362196 (VCV001362196.5), dbSNP rs200229134, ClinGen allele CA3940282.

ClinVar aggregate classification (germline): Uncertain significance. Review status: criteria provided, multiple submitters, no conflicts (2 of 4 stars). 2 submissions from 2 submitters: Uncertain significance (2). Last evaluated 2024-01-25.

Conditions:
Inborn genetic diseases. Identifiers: MedGen C0950123, MeSH D030342.

Allele frequency attached by ClinVar (database versions not stated): ExAC 0.00009; gnomAD 0.00014; gnomAD exomes 0.00014 and 0.00022; TOPMed 0.00022; ESP Exome Variant Server 0.00031; 1000 Genomes Project 0.00040; 1000 Genomes Project 30x 0.00062.
gnomAD v4.1: 347 of 1,613,304 alleles (0.022%); highest among the groups gnomAD compares: Admixed American, 0.03%; no homozygotes.

Submissions (2):

Ambry Genetics
Classification: Uncertain significance for Inborn genetic diseases. Last evaluated: 2024-01-25. Review status: criteria provided, single submitter. Criteria: Ambry Variant Classification Scheme 2023. Collection method: clinical testing. Allele origin: germline.

Labcorp Genetics (formerly Invitae), Labcorp
Classification: Uncertain significance. Last evaluated: 2024-01-24. Review status: criteria provided, single submitter. Criteria: Invitae Variant Classification Sherloc (09022015). Collection method: clinical testing. Allele origin: germline.
Comment: This sequence change replaces serine, which is neutral and polar, with threonine, which is neutral and polar, at codon 464 of the HACE1 protein (p.Ser464Thr). This variant is present in population databases (rs200229134, gnomAD 0.03%). This variant has not been reported in the literature in individuals affected with HACE1-related conditions. ClinVar contains an entry for this variant (Variation ID: 1362196). Advanced modeling of protein sequence and biophysical properties (such as structural, functional, and spatial information, amino acid conservation, physicochemical variation, residue mobility, and thermodynamic stability) performed at Invitae indicates that this missense variant is not expected to disrupt HACE1 protein function with a negative predictive value of 80%. In summary, the available evidence is currently insufficient to determine the role of this variant in disease. Therefore, it has been classified as a Variant of Uncertain Significance.